The following is an entry in ClinVar:

NM_206933.4(USH2A):c.10040A>G (p.His3347Arg)

Gene: USH2A (usherin; minus strand). Cytogenetic location: 1q41.
Variant type: single nucleotide variant.
Coding change: c.10040A>G on transcript NM_206933.4 (MANE Select); coding-DNA position 10040, A replaced by G.
Protein change: p.His3347Arg; replaces histidine 3347 with arginine.
Molecular consequence: missense variant.
Genome position (GRCh38, 1-based): chr1:215,790,201, T>C on the plus strand (A>G on the coding strand, the complement: USH2A is on the minus strand). VCF-style: chr1-215790201-T-C. GRCh37 (hg19) VCF-style: chr1-215963543-T-C.
Other names: short protein forms H3347R.
Identifiers: ClinVar variation 971635 (VCV000971635.6), dbSNP rs1415565146, ClinGen allele CA344844289.
Genomic context (GRCh38, chr1:215,790,201, plus strand): 5'-CTCTTTGGAATAAGTTCAGTCTCACAGCATTTTACTGGCACCGGGTCATTCTTTTTAATA[T>C]GTGCTTTAGACTCTCCACTGGAAGCTGAGCAGCATATGGTATCTGACATATTCACATAAT-3'
Protein context (NP_996816.3, residues 3337-3357): CSASSGESKA[His3347Arg]IKKNDPVPVK

ClinVar aggregate classification (germline): Uncertain significance (1 of 4 stars; one submission).

Allele frequency attached by ClinVar (database versions not stated): gnomAD exomes below 0.00001 and 0.00001.
gnomAD v4.1: 8 of 1,614,122 alleles (0.0005%); highest among the groups gnomAD compares: Non-Finnish European, 0.00068%; no homozygotes.

Submission:

Labcorp Genetics (formerly Invitae), Labcorp
Classification: Uncertain significance. Last evaluated: 2022-05-15. Review status: criteria provided, single submitter. Criteria: Invitae Variant Classification Sherloc (09022015). Collection method: clinical testing. Allele origin: germline.
Comment: This sequence change replaces histidine, which is basic and polar, with arginine, which is basic and polar, at codon 3347 of the USH2A protein (p.His3347Arg). This variant is present in population databases (no rsID available, gnomAD 0.0009%). This variant has not been reported in the literature in individuals affected with USH2A-related conditions. ClinVar contains an entry for this variant (Variation ID: 971635). Algorithms developed to predict the effect of missense changes on protein structure and function (SIFT, PolyPhen-2, Align-GVGD) all suggest that this variant is likely to be disruptive. In summary, the available evidence is currently insufficient to determine the role of this variant in disease. Therefore, it has been classified as a Variant of Uncertain Significance.